The following is an entry in ClinVar:

NM_001382.4(DPAGT1):c.918-1G>T

Gene: DPAGT1 (dolichyl-phosphate N-acetylglucosaminephosphotransferase 1; minus strand). Cytogenetic location: 11q23.3.
Variant type: single nucleotide variant.
Coding change: c.918-1G>T on transcript NM_001382.4 (MANE Select); the canonical splice acceptor site of the intron before coding-DNA position 918, G replaced by T.
Molecular consequence: splice acceptor variant.
Genome position (GRCh38, 1-based): chr11:119,097,552, C>A on the plus strand (G>T on the coding strand, the complement: DPAGT1 is on the minus strand). VCF-style: chr11-119097552-C-A. GRCh37 (hg19) VCF-style: chr11-118968262-C-A.
Identifiers: ClinVar variation 5007799 (VCV005007799.2).

ClinVar aggregate classification (germline): Likely pathogenic (1 of 4 stars; one submission).

Conditions:
DPAGT1-congenital disorder of glycosylation. Also called: DPAGT1-CDG; CONGENITAL DISORDER OF GLYCOSYLATION, TYPE Ij; CDG Ij. Identifiers: Orphanet 86309, MedGen C2931004, MONDO:0011964, OMIM 608093.
Congenital myasthenic syndrome 13 (CMS13). Also called: Myasthenic syndrome, congenital, 13, with tubular aggregates; Myasthenic syndrome, congenital, with tubular aggregates 2. Identifiers: Orphanet 353327, Orphanet 590, MedGen C3553645, MONDO:0013883, OMIM 614750.

Submission:

Juno Genomics, Hangzhou Juno Genomics, Inc
Classification: Likely pathogenic for DPAGT1-congenital disorder of glycosylation; Congenital myasthenic syndrome 13. Review status: criteria provided, single submitter. Criteria: ACMG Guidelines, 2015. Collection method: clinical testing. Allele origin: germline.
Comment: Null variant in a gene where loss of function (LOF) is a known mechanism of disease.;Absent from controls (or at extremely low frequency if recessive) in Genome Aggregation Database.